The following is an entry in ClinVar:

NM_001379081.2(FREM1):c.898A>G (p.Met300Val)

Gene: FREM1 (FRAS1 related extracellular matrix 1; minus strand). Cytogenetic location: 9p22.3.
Variant type: single nucleotide variant.
Coding change: c.898A>G on transcript NM_001379081.2 (MANE Select); coding-DNA position 898, A replaced by G.
Protein change: p.Met300Val; replaces methionine 300 with valine.
Molecular consequence: missense variant. On other transcripts: non-coding transcript variant (4).
Genome position (GRCh38, 1-based): chr9:14,851,538, T>C on the plus strand (A>G on the coding strand, the complement: FREM1 is on the minus strand). VCF-style: chr9-14851538-T-C. GRCh37 (hg19) VCF-style: chr9-14851536-T-C.
Other names: c.925A>G, p.Met309Val (NM_001370060.1); c.898A>G, p.Met300Val (NM_001370063.1, NM_001370065.1, NM_144966.7); short protein forms M300V, M309V.
Identifiers: ClinVar variation 1967304 (VCV001967304.6), dbSNP rs1030582695, ClinGen allele CA189366947.

ClinVar aggregate classification (germline): Uncertain significance. Review status: criteria provided, multiple submitters, no conflicts (2 of 4 stars). 2 submissions from 2 submitters: Uncertain significance (2). Last evaluated 2025-09-02.

Allele frequency attached by ClinVar (database versions not stated): gnomAD 0.00001; gnomAD exomes 0.00002; TOPMed 0.00002.
gnomAD v4.1: 30 of 1,613,858 alleles (0.0019%); highest among the groups gnomAD compares: Middle Eastern, 0.016%; no homozygotes.

Submissions (2):

Labcorp Genetics (formerly Invitae), Labcorp
Classification: Uncertain significance. Last evaluated: 2025-09-02. Review status: criteria provided, single submitter. Criteria: Invitae Variant Classification Sherloc (09022015). Collection method: clinical testing. Allele origin: germline.
Comment: This sequence change replaces methionine, which is neutral and non-polar, with valine, which is neutral and non-polar, at codon 300 of the FREM1 protein (p.Met300Val). This variant is present in population databases (no rsID available, gnomAD 0.003%). This variant has not been reported in the literature in individuals affected with FREM1-related conditions. ClinVar contains an entry for this variant (Variation ID: 1967304). Invitae Evidence Modeling of protein sequence and biophysical properties (such as structural, functional, and spatial information, amino acid conservation, physicochemical variation, residue mobility, and thermodynamic stability) has been performed for this missense variant. However, the output from this modeling did not meet the statistical confidence thresholds required to predict the impact of this variant on FREM1 protein function. In summary, the available evidence is currently insufficient to determine the role of this variant in disease. Therefore, it has been classified as a Variant of Uncertain Significance.

Blueprint Genetics
Classification: Uncertain significance. Last evaluated: 2024-10-16. Review status: criteria provided, single submitter. Criteria: ACMG Guidelines, 2015. Collection method: clinical testing. Allele origin: germline.